The following is an entry in ClinVar:

NM_001127178.3(PIGG):c.2571+5G>A

Gene: PIGG (phosphatidylinositol glycan anchor biosynthesis class G (EMM blood group); plus strand). Cytogenetic location: 4p16.3.
Variant type: single nucleotide variant.
Coding change: c.2571+5G>A on transcript NM_001127178.3 (MANE Select); 5 bases into the intron after coding-DNA position 2571, G replaced by A.
Molecular consequence: intron variant.
Genome position (GRCh38, 1-based): chr4:530,750, G>A. VCF-style: chr4-530750-G-A. GRCh37 (hg19) VCF-style: chr4-524539-G-A.
Other names: c.1473+5G>A (NM_001345994.2); c.2304+5G>A (NM_001345986.2, NM_001289051.2); c.2280+5G>A (NM_001345987.2); c.1038+5G>A (NM_001345991.2, NM_001345990.2); c.1542+5G>A (NM_001345988.2); c.2547+5G>A (NM_017733.5); c.2172+5G>A (NM_001289052.2).
Identifiers: ClinVar variation 845405 (VCV000845405.8), dbSNP rs1728851870, ClinGen allele CA916082625.

ClinVar aggregate classification (germline): Uncertain significance (1 of 4 stars; one submission).

Conditions:
Intellectual disability, autosomal recessive 53 (NEDHSCA). Also called: GLYCOSYLPHOSPHATIDYLINOSITOL BIOSYNTHESIS DEFECT 13; Mental retardation, autosomal recessive 53; NEURODEVELOPMENTAL DISORDER WITH OR WITHOUT HYPOTONIA, SEIZURES, AND CEREBELLAR ATROPHY. Identifiers: Orphanet 488635, MedGen C4310794, MONDO:0014832, OMIM 616917.

Allele frequency attached by ClinVar (database versions not stated): TOPMed below 0.00001.

Submission:

Labcorp Genetics (formerly Invitae), Labcorp
Classification: Uncertain significance for Intellectual disability, autosomal recessive 53. Last evaluated: 2022-08-23. Review status: criteria provided, single submitter. Criteria: Invitae Variant Classification Sherloc (09022015). Collection method: clinical testing. Allele origin: germline.
Comment: In summary, the available evidence is currently insufficient to determine the role of this variant in disease. Therefore, it has been classified as a Variant of Uncertain Significance. Variants that disrupt the consensus splice site are a relatively common cause of aberrant splicing (PMID: 17576681, 9536098). Algorithms developed to predict the effect of sequence changes on RNA splicing suggest that this variant may disrupt the consensus splice site. ClinVar contains an entry for this variant (Variation ID: 845405). This variant has not been reported in the literature in individuals affected with PIGG-related conditions. This variant is not present in population databases (gnomAD no frequency). This sequence change falls in intron 11 of the PIGG gene. It does not directly change the encoded amino acid sequence of the PIGG protein. It affects a nucleotide within the consensus splice site.

Literature cited by the submitters: PubMed 17576681; PubMed 9536098.